The following is an entry in ClinVar:

ClinVar aggregate classification (germline): Likely benign (1 of 4 stars; one submission).

Allele frequency attached by ClinVar (database versions not stated): gnomAD 0.00001; gnomAD exomes 0.00001.
gnomAD v4.1: 14 of 1,614,144 alleles (0.00087%); highest among the groups gnomAD compares: African/African-American, 0.0013%; no homozygotes.

Submission:

GeneDx
Classification: Likely benign. Last evaluated: 2017-05-22. Review status: criteria provided, single submitter. Criteria: GeneDx Variant Classification (06012015). Collection method: clinical testing. Allele origin: germline. Affected: yes.
Comment: This variant is considered likely benign or benign based on one or more of the following criteria: it is a conservative change, it occurs at a poorly conserved position in the protein, it is predicted to be benign by multiple in silico algorithms, and/or has population frequency not consistent with disease.

NM_013391.3(DMGDH):c.1363+8A>G

Gene: DMGDH (dimethylglycine dehydrogenase; minus strand). Cytogenetic location: 5q14.1.
Variant type: single nucleotide variant.
Coding change: c.1363+8A>G on transcript NM_013391.3 (MANE Select); 8 bases into the intron after coding-DNA position 1363, A replaced by G.
Molecular consequence: intron variant.
Genome position (GRCh38, 1-based): chr5:79,033,231, T>C on the plus strand (A>G on the coding strand, the complement: DMGDH is on the minus strand). VCF-style: chr5-79033231-T-C. GRCh37 (hg19) VCF-style: chr5-78329054-T-C.
Identifiers: ClinVar variation 509478 (VCV000509478.1), dbSNP rs1554035707, ClinGen allele CA658796538.